The following is an entry in ClinVar:

NM_001367624.2(ZNF469):c.2256C>G (p.Phe752Leu)

Gene: ZNF469 (zinc finger protein 469; plus strand). Cytogenetic location: 16q24.2.
Variant type: single nucleotide variant.
Coding change: c.2256C>G on transcript NM_001367624.2 (MANE Select); coding-DNA position 2256, C replaced by G.
Protein change: p.Phe752Leu; replaces phenylalanine 752 with leucine.
Molecular consequence: missense variant.
Genome position (GRCh38, 1-based): chr16:88,429,726, C>G. VCF-style: chr16-88429726-C-G. GRCh37 (hg19) VCF-style: chr16-88496134-C-G.
Other names: NM_001127464.1:c.2256C>G; short protein forms F752L.
Identifiers: ClinVar variation 3476235 (VCV003476235.1).

ClinVar aggregate classification (germline): Uncertain significance (1 of 4 stars; one submission).

Conditions:
Cardiovascular phenotype. Identifiers: MedGen CN230736.

gnomAD v4.1: 5 of 1,544,698 alleles (0.00032%); highest among the groups gnomAD compares: Non-Finnish European, 0.00044%; no homozygotes.

Submission:

Ambry Genetics
Classification: Uncertain significance for Cardiovascular phenotype. Last evaluated: 2024-10-08. Review status: criteria provided, single submitter. Criteria: Ambry Variant Classification Scheme 2023. Collection method: clinical testing. Allele origin: germline.
Comment: The p.F752L variant (also known as c.2256C>G), located in coding exon 1 of the ZNF469 gene, results from a C to G substitution at nucleotide position 2256. The phenylalanine at codon 752 is replaced by leucine, an amino acid with highly similar properties. This amino acid position is conserved. In addition, this alteration is predicted to be tolerated by in silico analysis. Based on the available evidence, the clinical significance of this variant remains unclear.